The following is an entry in ClinVar:

NM_002660.3(PLCG1):c.41C>T (p.Pro14Leu)

Genes: PLCG1 (phospholipase C gamma 1; plus strand), PLCG1-AS1 (PLCG1 antisense RNA 1; minus strand). Cytogenetic location: 20q12.
Variant type: single nucleotide variant.
Coding change: c.41C>T on transcript NM_002660.3 (MANE Select); coding-DNA position 41, C replaced by T.
Protein change: p.Pro14Leu; replaces proline 14 with leucine.
Molecular consequence: missense variant.
Genome position (GRCh38, 1-based): chr20:41,137,682, C>T. VCF-style: chr20-41137682-C-T. GRCh37 (hg19) VCF-style: chr20-39766322-C-T.
Other names: c.41C>T, p.Pro14Leu (NM_182811.2); short protein forms P14L.
Identifiers: ClinVar variation 4138727 (VCV004138727.2).
Genomic context (GRCh38, chr20:41,137,682, plus strand): 5'-CCGCCCCCAGCGTCGGAGCCATGGCGGGCGCCGCGTCCCCTTGCGCCAACGGCTGCGGGC[C>T]CGGCGCGCCCTCGGACGCCGAGGTGCTGCACCTCTGCCGCAGCCTCGAGGTGGGCACCGT-3'
Protein context (NP_002651.2, residues 4-24): AASPCANGCG[Pro14Leu]GAPSDAEVLH

ClinVar aggregate classification (germline): Conflicting classifications of pathogenicity. Review status: criteria provided, conflicting classifications (1 of 4 stars). 2 submissions from 2 submitters: Uncertain significance (1); Likely benign (1). Last evaluated 2026-08-24.

Conditions:
PLCG1-related disorder. Also called: PLCG1-related condition.

gnomAD v4.1: 335 of 1,321,608 alleles (0.025%); highest among the groups gnomAD compares: Middle Eastern, 0.25%; 2 homozygotes.

Submissions (2):

PreventionGenetics, part of Exact Sciences
Classification: Likely benign for PLCG1-related condition. Last evaluated: 2026-08-24. Review status: criteria provided, single submitter. Criteria: ACMG Guidelines, 2015. Collection method: clinical testing. Allele origin: germline.
Comment: This variant is classified as likely benign based on ACMG/AMP sequence variant interpretation guidelines (Richards et al. 2015 PMID: 25741868, with internal and published modifications).

Ambry Genetics
Classification: Uncertain significance. Last evaluated: 2025-08-05. Review status: criteria provided, single submitter. Criteria: Ambry Variant Classification Scheme 2023. Collection method: clinical testing. Allele origin: germline.